The following is an entry in ClinVar:

NM_001042492.3(NF1):c.6643-13T>C

Gene: NF1 (neurofibromin 1; plus strand). Cytogenetic location: 17q11.2.
Variant type: single nucleotide variant.
Coding change: c.6643-13T>C on transcript NM_001042492.3 (MANE Select); 13 bases into the intron before coding-DNA position 6643, T replaced by C.
Molecular consequence: intron variant.
Genome position (GRCh38, 1-based): chr17:31,337,806, T>C. VCF-style: chr17-31337806-T-C. GRCh37 (hg19) VCF-style: chr17-29664824-T-C.
Other names: c.6580-13T>C (NM_000267.4).
Identifiers: ClinVar variation 888951 (VCV000888951.14), dbSNP rs764601493, ClinGen allele CA8487389.

ClinVar aggregate classification (germline): Conflicting classifications of pathogenicity. Review status: criteria provided, conflicting classifications (1 of 4 stars). 7 submissions from 4 submitters: Uncertain significance (1); Benign (2); Likely benign (4). Last evaluated 2026-05-21.

Conditions:
Neurofibromatosis-Noonan syndrome (NFNS). Also called: NEUROFIBROMATOSIS WITH NOONAN PHENOTYPE. Identifiers: Orphanet 638, MedGen C2931482, MONDO:0011035, OMIM 601321. Disease mechanism: loss of function.
Café-au-lait macules with pulmonary stenosis (WTSN). Also called: PULMONIC STENOSIS WITH CAFE-AU-LAIT SPOTS. Identifiers: MedGen C0553586, MONDO:0008672, OMIM 193520.
Neurofibromatosis, familial spinal (FSNF). Identifiers: Orphanet 636, MedGen C1834235, MONDO:0008078, OMIM 162210. Disease mechanism: loss of function.
Neurofibromatosis, type 1 (NF1). Also called: Peripheral type neurofibromatosis; Neurofibromatosis, type I; VON RECKLINGHAUSEN DISEASE; NEUROFIBROMATOSIS, TYPE I, SOMATIC. Identifiers: Orphanet 636, MedGen C0027831, MONDO:0018975, OMIM 162200. Disease mechanism: loss of function.

Allele frequency attached by ClinVar (database versions not stated): TOPMed 0.00001; gnomAD exomes 0.00020 and 0.00004; gnomAD 0.00003; ExAC 0.00007.
gnomAD v4.1: 124 of 1,612,806 alleles (0.0077%); highest among the groups gnomAD compares: East Asian, 0.28%; no homozygotes.

Submissions (7):

Myriad Genetics, Inc.
Classification: Benign for Neurofibromatosis, type 1. Last evaluated: 2026-05-21. Review status: criteria provided, single submitter. Criteria: Myriad Autosomal Dominant, Autosomal Recessive and X-Linked Classification Criteria (2023). Collection method: clinical testing. Allele origin: unknown.
Comment: This variant is considered benign. This variant is intronic and is not expected to impact mRNA splicing. This variant has been observed at a population frequency that is significantly greater than expected given the associated disease prevalence and penetrance.

Labcorp Genetics (formerly Invitae), Labcorp
Classification: Likely benign for Neurofibromatosis, type 1. Last evaluated: 2026-01-28. Review status: criteria provided, single submitter. Criteria: Invitae Variant Classification Sherloc (09022015). Collection method: clinical testing. Allele origin: germline.

GeneDx
Classification: Uncertain significance. Last evaluated: 2021-03-22. Review status: criteria provided, single submitter. Criteria: GeneDx Variant Classification Process June 2021. Collection method: clinical testing. Allele origin: germline. Affected: yes.
Comment: Has not been previously published as pathogenic or benign to our knowledge; In-silico analysis, which includes splice predictors and evolutionary conservation, is inconclusive as to whether the variant alters gene splicing. In the absence of RNA/functional studies, the actual effect of this sequence change is unknown.

Illumina Laboratory Services, Illumina
Classification: Likely benign for Neurofibromatosis, type 1. Last evaluated: 2018-01-13. Review status: criteria provided, single submitter. Criteria: ICSL Variant Classification Criteria 13 December 2019. Collection method: clinical testing. Allele origin: germline.
Comment: This variant was observed in the ICSL laboratory as part of a predisposition screen in an ostensibly healthy population. It had not been previously curated by ICSL or reported in the Human Gene Mutation Database (HGMD: prior to June 1st, 2018), and was therefore a candidate for classification through an automated scoring system. Utilizing variant allele frequency, disease prevalence and penetrance estimates, and inheritance mode, an automated score was calculated to assess if this variant is too frequent to cause the disease. Based on the score and internal cut-off values, a variant classified as likely benign is not then subjected to further curation. The score for this variant resulted in a classification of likely benign for this disease.

Illumina Laboratory Services, Illumina
Classification: Benign for Neurofibromatosis-Noonan syndrome. Last evaluated: 2018-01-13. Review status: criteria provided, single submitter. Criteria: ICSL Variant Classification Criteria 13 December 2019. Collection method: clinical testing. Allele origin: germline.
Comment: This variant was observed in the ICSL laboratory as part of a predisposition screen in an ostensibly healthy population. It had not been previously curated by ICSL or reported in the Human Gene Mutation Database (HGMD: prior to June 1st, 2018), and was therefore a candidate for classification through an automated scoring system. Utilizing variant allele frequency, disease prevalence and penetrance estimates, and inheritance mode, an automated score was calculated to assess if this variant is too frequent to cause the disease. Based on the score and internal cut-off values, a variant classified as benign is not then subjected to further curation. The score for this variant resulted in a classification of benign for this disease.

Illumina Laboratory Services, Illumina
Classification: Likely benign for Neurofibromatosis, familial spinal. Last evaluated: 2018-01-13. Review status: criteria provided, single submitter. Criteria: ICSL Variant Classification Criteria 13 December 2019. Collection method: clinical testing. Allele origin: germline.
Comment: the same text as in the submission from Illumina Laboratory Services, Illumina above.

Illumina Laboratory Services, Illumina
Classification: Likely benign for Café-au-lait macules with pulmonary stenosis. Last evaluated: 2018-01-13. Review status: criteria provided, single submitter. Criteria: ICSL Variant Classification Criteria 13 December 2019. Collection method: clinical testing. Allele origin: germline.
Comment: the same text as in the submission from Illumina Laboratory Services, Illumina above.